The following is an entry in ClinVar:

ClinVar aggregate classification (germline): Uncertain significance (1 of 4 stars; one submission).

Allele frequency attached by ClinVar (database versions not stated): TOPMed below 0.00001.

Submission:

Labcorp Genetics (formerly Invitae), Labcorp
Classification: Uncertain significance. Last evaluated: 2021-08-07. Review status: criteria provided, single submitter. Criteria: Invitae Variant Classification Sherloc (09022015). Collection method: clinical testing. Allele origin: germline.
Comment: In summary, the available evidence is currently insufficient to determine the role of this variant in disease. Therefore, it has been classified as a Variant of Uncertain Significance. This sequence change replaces proline with threonine at codon 92 of the C1QC protein (p.Pro92Thr). The proline residue is weakly conserved and there is a small physicochemical difference between proline and threonine. This variant is not present in population databases (ExAC no frequency). This variant has not been reported in the literature in individuals affected with C1QC-related conditions. Algorithms developed to predict the effect of missense changes on protein structure and function output the following: SIFT: "Tolerated"; PolyPhen-2: "Benign"; Align-GVGD: "Class C0". The threonine amino acid residue is found in multiple mammalian species, which suggests that this missense change does not adversely affect protein function.

NM_172369.5(C1QC):c.274C>A (p.Pro92Thr)

Gene: C1QC (complement C1q C chain; plus strand). Cytogenetic location: 1p36.12.
Variant type: single nucleotide variant.
Coding change: c.274C>A on transcript NM_172369.5 (MANE Select); coding-DNA position 274, C replaced by A.
Protein change: p.Pro92Thr; replaces proline 92 with threonine.
Molecular consequence: missense variant.
Genome position (GRCh38, 1-based): chr1:22,647,319, C>A. VCF-style: chr1-22647319-C-A. GRCh37 (hg19) VCF-style: chr1-22973812-C-A.
Other names: c.274C>A, p.Pro92Thr (NM_001114101.3, NM_001347619.2); c.7C>A, p.Pro3Thr (NM_001347620.2); short protein forms P3T, P92T.
Identifiers: ClinVar variation 1419215 (VCV001419215.6), dbSNP rs751609608, ClinGen allele CA338935598.